The following is an entry in ClinVar:

ClinVar aggregate classification (germline): Uncertain significance. Review status: criteria provided, single submitter (1 of 4 stars). 2 submissions from 2 submitters: Uncertain significance (1). 1 of the submissions does not count toward it. Last evaluated 2025-03-23.

Conditions:
KMT2D-related disorder. Also called: KMT2D-Related Disorders.
Kabuki syndrome. Also called: NIIKAWA-KUROKI SYNDROME; Kabuki make-up syndrome. Identifiers: Orphanet 2322, MedGen C0796004, MONDO:0016512.

Allele frequency attached by ClinVar (database versions not stated): TOPMed below 0.00001; ExAC 0.00001.
gnomAD v4.1: 10 of 1,613,984 alleles (0.00062%); highest among the groups gnomAD compares: Non-Finnish European, 0.00076%; no homozygotes.

Submissions (2):

Labcorp Genetics (formerly Invitae), Labcorp
Classification: Uncertain significance for Kabuki syndrome. Last evaluated: 2025-03-23. Review status: criteria provided, single submitter. Criteria: Invitae Variant Classification Sherloc (09022015). Collection method: clinical testing. Allele origin: germline.
Comment: This sequence change replaces arginine, which is basic and polar, with glutamine, which is neutral and polar, at codon 324 of the KMT2D protein (p.Arg324Gln). This variant is not present in population databases (gnomAD no frequency). This variant has not been reported in the literature in individuals affected with KMT2D-related conditions. ClinVar contains an entry for this variant (Variation ID: 2183386). Invitae Evidence Modeling of protein sequence and biophysical properties (such as structural, functional, and spatial information, amino acid conservation, physicochemical variation, residue mobility, and thermodynamic stability) indicates that this missense variant is not expected to disrupt KMT2D protein function with a negative predictive value of 95%. In summary, the available evidence is currently insufficient to determine the role of this variant in disease. Therefore, it has been classified as a Variant of Uncertain Significance.

PreventionGenetics, part of Exact Sciences
Classification: Uncertain significance for KMT2D-related condition. Last evaluated: 2023-11-29. Review status: no assertion criteria provided. Collection method: clinical testing. Allele origin: germline. Not counted in ClinVar's aggregate classification.
Comment: The KMT2D c.971G>A variant is predicted to result in the amino acid substitution p.Arg324Gln. To our knowledge, this variant has not been reported in the literature or in a large population database, indicating this variant is rare. At this time, the clinical significance of this variant is uncertain due to the absence of conclusive functional and genetic evidence.

NM_003482.4(KMT2D):c.971G>A (p.Arg324Gln)

Gene: KMT2D (lysine methyltransferase 2D; minus strand). Cytogenetic location: 12q13.12.
Variant type: single nucleotide variant.
Coding change: c.971G>A on transcript NM_003482.4 (MANE Select); coding-DNA position 971, G replaced by A.
Protein change: p.Arg324Gln; replaces arginine 324 with glutamine.
Molecular consequence: missense variant.
Genome position (GRCh38, 1-based): chr12:49,053,056, C>T on the plus strand (G>A on the coding strand, the complement: KMT2D is on the minus strand). VCF-style: chr12-49053056-C-T. GRCh37 (hg19) VCF-style: chr12-49446839-C-T.
Other names: short protein forms R324Q.
Identifiers: ClinVar variation 2183386 (VCV002183386.6), dbSNP rs758348372, ClinGen allele CA6548607.
Genomic context (GRCh38, chr12:49,053,056, plus strand): 5'-GAGTAGTTCTCAAACCACTCCGAGTTGGGATTCAGTTCTGCTGAGCCCGCCCCACAGGCC[C>T]GGCACACCCGGCACGCCTAAGGGAAGGGAGTGGGCAAAACAGGCATTGGTCAGACAGCAA-3'
Protein context (NP_003473.3, residues 314-334): SWKCKACRVC[Arg324Gln]ACGAGSAELN